The following is an entry in ClinVar:

ClinVar aggregate classification (germline): Uncertain significance (1 of 4 stars; one submission).

Submission:

Labcorp Genetics (formerly Invitae), Labcorp
Classification: Uncertain significance. Last evaluated: 2025-06-01. Review status: criteria provided, single submitter. Criteria: Invitae Variant Classification Sherloc (09022015). Collection method: clinical testing. Allele origin: germline.
Comment: This sequence change falls in intron 18 of the MICAL1 gene. It does not directly change the encoded amino acid sequence of the MICAL1 protein. This variant is present in population databases (rs758077822, gnomAD 0.006%). This variant has not been reported in the literature in individuals affected with MICAL1-related conditions. ClinVar contains an entry for this variant (Variation ID: 3020887). Experimental studies and prediction algorithms are not available or were not evaluated, and the effect of this variant on mRNA splicing is currently unknown. In summary, the available evidence is currently insufficient to determine the role of this variant in disease. Therefore, it has been classified as a Variant of Uncertain Significance.

NM_022765.4(MICAL1):c.2305-20_2305-19insCTACCCTGGGCAGGTCACTGACCAGA

Gene: MICAL1 (microtubule associated monooxygenase, calponin and LIM domain containing 1; minus strand). Cytogenetic location: 6q21.
Variant type: Insertion.
Coding change: c.2305-20_2305-19insCTACCCTGGGCAGGTCACTGACCAGA on transcript NM_022765.4 (MANE Select); 20 bases into the intron before coding-DNA position 2305 through 19 bases into the intron before coding-DNA position 2305, CTACCCTGGGCAGGTCACTGACCAGA inserted.
Molecular consequence: intron variant.
Genome position: GRCh38 VCF-style: chr6-109446431-G-GGTCTGGTCAGTGACCTGCCCAGGGTA. GRCh37 (hg19) VCF-style: chr6-109767634-G-GGTCTGGTCAGTGACCTGCCCAGGGTA.
Other names: c.2362-20_2362-19insCTACCCTGGGCAGGTCACTGACCAGA (NM_001286613.2); c.2047-20_2047-19insCTACCCTGGGCAGGTCACTGACCAGA (NM_001159291.2).
Identifiers: ClinVar variation 3020887 (VCV003020887.3), dbSNP rs758077822, ClinGen allele CA3952945.